The following is an entry in ClinVar:

NM_000222.3(KIT):c.1926dup (p.Val643fs)

Gene: KIT (KIT proto-oncogene, receptor tyrosine kinase; plus strand). Cytogenetic location: 4q12.
Variant type: Duplication.
Coding change: c.1926dup on transcript NM_000222.3 (MANE Select); coding-DNA position 1926, one base duplicated (A; older notation c.1926dupA).
Protein change: p.Val643fs; shifts the reading frame from valine 643.
Molecular consequence: frameshift variant.
Genome position (GRCh38, 1-based): chr4:54,728,057, A duplicated; the last of 3 consecutive A bases (chr4:54,728,055-54,728,057); duplicating any one gives the same sequence. VCF-style (leftmost placement, unchanged base first): chr4-54728054-C-CA. GRCh37 (hg19) VCF-style: chr4-55594220-C-CA.
Other names: c.1914dup, p.Val639fs (NM_001093772.2, NM_001385286.1); c.1929dup, p.Val644fs (NM_001385284.1, NM_001385290.1); c.1926dup, p.Val643fs (NM_001385285.1); c.1917dup, p.Val640fs (NM_001385288.1, NM_001385292.1); short protein forms V639fs, V643fs, V644fs, V640fs.
Identifiers: ClinVar variation 4725322 (VCV004725322.1).

ClinVar aggregate classification (germline): Pathogenic (1 of 4 stars; one submission).

Conditions:
Gastrointestinal stromal tumor. Also called: Gastrointestinal stromal tumor, somatic; Gastrointestinal stroma tumor. Identifiers: Orphanet 44890, MedGen C0238198, MeSH D046152, MONDO:0011719, OMIM 606764, HP:0100723.

Submission:

Labcorp Genetics (formerly Invitae), Labcorp
Classification: Pathogenic for Gastrointestinal stromal tumor. Last evaluated: 2025-08-12. Review status: criteria provided, single submitter. Criteria: Invitae Variant Classification Sherloc (09022015). Collection method: clinical testing. Allele origin: germline.
Comment: This sequence change creates a premature translational stop signal (p.Val643Serfs*7) in the KIT gene. It is expected to result in an absent or disrupted protein product. Loss-of-function variants in KIT are known to be pathogenic (PMID: 15194144). This variant is not present in population databases (gnomAD no frequency). This variant has not been reported in the literature in individuals affected with KIT-related conditions. For these reasons, this variant has been classified as Pathogenic.

Literature cited by the submitters: PubMed 15194144.